The following is an entry in ClinVar:

ClinVar aggregate classification (germline): Uncertain significance (1 of 4 stars; one submission).

gnomAD v4.1: 3 of 1,613,964 alleles (0.00019%); highest among the groups gnomAD compares: Non-Finnish European, 0.00025%; no homozygotes.

Submission:

Athena Diagnostics
Classification: Uncertain significance. Last evaluated: 2025-09-29. Review status: criteria provided, single submitter. Criteria: Athena Diagnostics Criteria. Collection method: clinical testing. Allele origin: unknown.
Comment: Available data are insufficient to determine the clinical significance of the variant at this time. This variant has not been reported in large, multi-ethnic general populations. Polyphen and MutationTaster predict this amino acid change may be damaging to the protein.

NM_004733.4(SLC33A1):c.683G>C (p.Gly228Ala)

Gene: SLC33A1 (solute carrier family 33 member 1; minus strand). Cytogenetic location: 3q25.31.
Variant type: single nucleotide variant.
Coding change: c.683G>C on transcript NM_004733.4 (MANE Select); coding-DNA position 683, G replaced by C.
Protein change: p.Gly228Ala; replaces glycine 228 with alanine.
Molecular consequence: missense variant.
Genome position (GRCh38, 1-based): chr3:155,853,315, C>G on the plus strand (G>C on the coding strand, the complement: SLC33A1 is on the minus strand). VCF-style: chr3-155853315-C-G. GRCh37 (hg19) VCF-style: chr3-155571104-C-G.
Other names: c.683G>C, p.Gly228Ala (NM_001190992.2, NM_001363883.1); short protein forms G228A.
Identifiers: ClinVar variation 4682382 (VCV004682382.1).